The following is an entry in ClinVar:

ClinVar aggregate classification (germline): Uncertain significance. Review status: criteria provided, single submitter (1 of 4 stars). 2 submissions from 1 submitter: Uncertain significance (2). Last evaluated 2025-08-26.

Conditions:
Landau-Kleffner syndrome (FESD). Also called: EPILEPSY, FOCAL, WITH SPEECH DISORDER AND WITH OR WITHOUT MENTAL RETARDATION; APHASIA, ACQUIRED, WITH EPILEPSY. Identifiers: Orphanet 1945, Orphanet 725, Orphanet 98818, MedGen C0282512, MONDO:0009509, OMIM 245570.

Submissions (2):

Laboratorio de Genetica e Diagnostico Molecular, Hospital Israelita Albert Einstein
Classification: Uncertain significance for Landau-Kleffner syndrome. Last evaluated: 2025-08-26. Review status: criteria provided, single submitter. Criteria: ACMG Guidelines, 2015. Collection method: clinical testing. Allele origin: germline. Affected: yes.
Comment: ACMG classification criteria: PM2 supporting, PP2 supporting, BP4 supporting

Laboratorio de Genetica e Diagnostico Molecular, Hospital Israelita Albert Einstein
Classification: Uncertain significance. Last evaluated: 2021-06-21. Review status: criteria provided, single submitter. Criteria: ACMG Guidelines, 2015. Collection method: clinical testing. Allele origin: germline. Affected: yes.
Comment: ACMG classification criteria: PM2, BP4

NM_001134407.3(GRIN2A):c.2908C>G (p.Arg970Gly)

Gene: GRIN2A (glutamate ionotropic receptor NMDA type subunit 2A; minus strand). Cytogenetic location: 16p13.2.
Variant type: single nucleotide variant.
Coding change: c.2908C>G on transcript NM_001134407.3 (MANE Select); coding-DNA position 2908, C replaced by G.
Protein change: p.Arg970Gly; replaces arginine 970 with glycine.
Molecular consequence: missense variant.
Genome position (GRCh38, 1-based): chr16:9,764,636, G>C on the plus strand (C>G on the coding strand, the complement: GRIN2A is on the minus strand). VCF-style: chr16-9764636-G-C. GRCh37 (hg19) VCF-style: chr16-9858493-G-C.
Other names: c.2908C>G, p.Arg970Gly (NM_000833.5, NM_001134408.2); short protein forms R970G.
Identifiers: ClinVar variation 1690407 (VCV001690407.3), dbSNP rs765257420, ClinGen allele CA394709090.
Genomic context (GRCh38, chr16:9,764,636, plus strand): 5'-CATTGAGAGTAAGAGGATGTTGTCCCTGGAATACATAGTTATTGAGGTTATCCTTCTGCC[G>C]GTTGGCCACAAATGTTTGGAGTTCGTTCATGTTGTCTCCAAAAATGCTCTCTTTCCCCTG-3'
Protein context (NP_001127879.1, residues 960-980): MNELQTFVAN[Arg970Gly]QKDNLNNYVF